The following is an entry in ClinVar:

ClinVar aggregate classification (germline): Pathogenic (1 of 4 stars; one submission).

Conditions:
DYRK1A-related intellectual disability syndrome (MRD7). Also called: DYRK1A Syndrome; Intellectual developmental disorder, autosomal dominant 7. Identifiers: Orphanet 464306, MedGen C5568143, MONDO:0013578, OMIM 614104.

Submission:

Diagnostic Laboratory, Strasbourg University Hospital
Classification: Pathogenic for DYRK1A-related intellectual disability syndrome. Last evaluated: 2024-12-23. Review status: criteria provided, single submitter. Criteria: submitter's publication. Collection method: clinical testing. Allele origin: de novo. Inheritance: Autosomal dominant inheritance. Affected: yes. Observed: 1 heterozygote.
Comment: the variant occurred de novo. It is a truncating variant remving one important part of the protein

Literature cited by the submitters: PubMed 38030819.

NM_001347721.2(DYRK1A):c.676dup (p.Cys226fs)

Gene: DYRK1A (dual specificity tyrosine phosphorylation regulated kinase 1A; plus strand). Cytogenetic location: 21q22.13.
Variant type: Duplication.
Coding change: c.676dup on transcript NM_001347721.2 (MANE Select); coding-DNA position 676, one base duplicated (T; older notation c.676dupT).
Protein change: p.Cys226fs; shifts the reading frame from cysteine 226.
Molecular consequence: frameshift variant.
Genome position (GRCh38, 1-based): chr21:37,490,213, T duplicated. VCF-style (leftmost placement, unchanged base first): chr21-37490212-C-CT. GRCh37 (hg19) VCF-style: chr21-38862514-C-CT.
Other names: c.589dup, p.Cys197fs (NM_001347723.2); c.703dup, p.Cys235fs (NM_001396.5, NM_101395.2, NM_130438.2); c.676dup, p.Cys226fs (NM_130436.2, NM_001347722.2); short protein forms C197fs, C226fs, C235fs.
Identifiers: ClinVar variation 3391807 (VCV003391807.2).
Genomic context (GRCh38, chr21:37,490,212, plus strand): 5'-AATGAAACTGTTTTCTCTTTCAGTGCATTTGAAACGCCACTTTATGTTTCGAAACCATCT[C>CT]TGTTTAGTTTTTGAAATGCTGTCCTACAACCTCTATGACTTGCTGAGAAACACCAATTTC-3'